The following is an entry in ClinVar:

NM_024675.4(PALB2):c.1084C>G (p.Leu362Val)

Gene: PALB2 (partner and localizer of BRCA2; minus strand). Cytogenetic location: 16p12.2.
Variant type: single nucleotide variant.
Coding change: c.1084C>G on transcript NM_024675.4 (MANE Select); coding-DNA position 1084, C replaced by G.
Protein change: p.Leu362Val; replaces leucine 362 with valine.
Molecular consequence: missense variant.
Genome position (GRCh38, 1-based): chr16:23,635,462, G>C on the plus strand (C>G on the coding strand, the complement: PALB2 is on the minus strand). VCF-style: chr16-23635462-G-C. GRCh37 (hg19) VCF-style: chr16-23646783-G-C.
Other names: short protein forms L362V.
Identifiers: ClinVar variation 410143 (VCV000410143.15), dbSNP rs1060502758, ClinGen allele CA16614861.

ClinVar aggregate classification (germline): Conflicting classifications of pathogenicity. Review status: criteria provided, conflicting classifications (1 of 4 stars). 2 submissions from 2 submitters: Uncertain significance (1); Likely benign (1). Last evaluated 2025-03-06.

Conditions:
Hereditary cancer-predisposing syndrome. Also called: Tumor predisposition; Hereditary Cancer Syndrome; Hereditary neoplastic syndrome; Neoplastic Syndromes, Hereditary. Identifiers: Orphanet 140162, MedGen C0027672, MeSH D009386, MONDO:0015356.
Familial cancer of breast. Also called: BREAST CANCER, FAMILIAL; Hereditary breast cancer; hereditary breast carcinoma. Identifiers: Orphanet 227535, MedGen C0346153, MONDO:0016419, OMIM 114480. Disease mechanism: loss of function.

Allele frequency attached by ClinVar (database versions not stated): gnomAD exomes below 0.00001.
gnomAD v4.1: 1 of 1,614,098 alleles (0.000062%); highest among the groups gnomAD compares: Non-Finnish European, 0.000085%; no homozygotes.

Submissions (2):

Ambry Genetics
Classification: Likely benign for Hereditary cancer-predisposing syndrome. Last evaluated: 2025-03-06. Review status: criteria provided, single submitter. Criteria: Ambry Variant Classification Scheme 2023. Collection method: clinical testing. Allele origin: germline.

Labcorp Genetics (formerly Invitae), Labcorp
Classification: Uncertain significance for Familial cancer of breast. Last evaluated: 2023-08-11. Review status: criteria provided, single submitter. Criteria: Invitae Variant Classification Sherloc (09022015). Collection method: clinical testing. Allele origin: germline.
Comment: This sequence change replaces leucine, which is neutral and non-polar, with valine, which is neutral and non-polar, at codon 362 of the PALB2 protein (p.Leu362Val). This variant is not present in population databases (gnomAD no frequency). This variant has not been reported in the literature in individuals affected with PALB2-related conditions. ClinVar contains an entry for this variant (Variation ID: 410143). Advanced modeling of protein sequence and biophysical properties (such as structural, functional, and spatial information, amino acid conservation, physicochemical variation, residue mobility, and thermodynamic stability) performed at Invitae indicates that this missense variant is not expected to disrupt PALB2 protein function. In summary, the available evidence is currently insufficient to determine the role of this variant in disease. Therefore, it has been classified as a Variant of Uncertain Significance.